The following is an entry in ClinVar:

NM_006514.4(SCN10A):c.3681+9C>T

Gene: SCN10A (sodium voltage-gated channel alpha subunit 10; minus strand). Cytogenetic location: 3p22.2.
Variant type: single nucleotide variant.
Coding change: c.3681+9C>T on transcript NM_006514.4 (MANE Select); 9 bases into the intron after coding-DNA position 3681, C replaced by T.
Molecular consequence: intron variant.
Genome position (GRCh38, 1-based): chr3:38,718,644, G>A on the plus strand (C>T on the coding strand, the complement: SCN10A is on the minus strand). VCF-style: chr3-38718644-G-A. GRCh37 (hg19) VCF-style: chr3-38760135-G-A.
Other names: c.3387+9C>T (NM_001293307.2); c.3678+9C>T (NM_001293306.2).
Identifiers: ClinVar variation 463250 (VCV000463250.11), dbSNP rs201158753, ClinGen allele CA2320170.
Genomic context (GRCh38, chr3:38,718,644, plus strand): 5'-TGCCCTAGCTGTAGCCAGGAGTCAGAGGGGAGGACCCCAAACCCCACGTGTTCCCACTGA[G>A]CCACTCACATTCACAATGAGGAAGTCCAGCCAGCACCAGGCATTGGTGAAGTACTTTTTG-3'

ClinVar aggregate classification (germline): Likely benign. Review status: criteria provided, multiple submitters, no conflicts (2 of 4 stars). 4 submissions from 4 submitters: Likely benign (3). 1 of the submissions does not count toward it. Last evaluated 2025-12-29.

Conditions:
SCN10A-related disorder. Also called: SCN10A-related condition.
Brugada syndrome. Also called: Sudden Unexplained Death Syndrome; Sudden Unexplained Nocturnal Death Syndrome (SUNDS); Sudden unexpected nocturnal death syndrome; Sudden unexplained nocturnal death syndrome. Identifiers: Orphanet 130, MedGen C1142166, MONDO:0015263.

Allele frequency attached by ClinVar (database versions not stated): gnomAD exomes 0.00013 and 0.00011; ESP Exome Variant Server 0.00015; 1000 Genomes Project 30x 0.00016; ExAC 0.00018; 1000 Genomes Project 0.00020; TOPMed 0.00003; gnomAD 0.00004.

Submissions (4):

Labcorp Genetics (formerly Invitae), Labcorp
Classification: Likely benign for Brugada syndrome. Last evaluated: 2025-12-29. Review status: criteria provided, single submitter. Criteria: Invitae Variant Classification Sherloc (09022015). Collection method: clinical testing. Allele origin: germline.

Blueprint Genetics
Classification: Likely benign. Last evaluated: 2024-11-22. Review status: criteria provided, single submitter. Criteria: ACMG Guidelines, 2015. Collection method: clinical testing. Allele origin: germline.

GeneDx
Classification: Likely benign. Last evaluated: 2017-05-11. Review status: criteria provided, single submitter. Criteria: GeneDx Variant Classification (06012015). Collection method: clinical testing. Allele origin: germline. Affected: yes.
Comment: This variant is considered likely benign or benign based on one or more of the following criteria: it is a conservative change, it occurs at a poorly conserved position in the protein, it is predicted to be benign by multiple in silico algorithms, and/or has population frequency not consistent with disease.

PreventionGenetics, part of Exact Sciences
Classification: Likely benign for SCN10A-related condition. Last evaluated: 2019-10-30. Review status: no assertion criteria provided. Collection method: clinical testing. Allele origin: germline. Not counted in ClinVar's aggregate classification.
Comment: This variant is classified as likely benign based on ACMG/AMP sequence variant interpretation guidelines (Richards et al. 2015 PMID: 25741868, with internal and published modifications).